The following is an entry in ClinVar:

NM_000551.4(VHL):c.502A>G (p.Ser168Gly)

Genes: VHL (von Hippel-Lindau tumor suppressor; plus strand), LOC107303340 (3p25 von Hippel-Lindau tumor suppressor, E3 ubiquitin protein ligase Alu-mediated recombination region; plus strand). Cytogenetic location: 3p25.3.
Variant type: single nucleotide variant.
Coding change: c.502A>G on transcript NM_000551.4 (MANE Select); coding-DNA position 502, A replaced by G.
Protein change: p.Ser168Gly; replaces serine 168 with glycine.
Molecular consequence: missense variant. On other transcripts: 3 prime UTR variant (1), non-coding transcript variant (1).
Genome position (GRCh38, 1-based): chr3:10,149,825, A>G. VCF-style: chr3-10149825-A-G. GRCh37 (hg19) VCF-style: chr3-10191509-A-G.
Other names: c.*56A>G (NM_001354723.2); c.379A>G, p.Ser127Gly (NM_198156.3); short protein forms S127G, S168G.
Identifiers: ClinVar variation 4787593 (VCV004787593.2).

ClinVar aggregate classification (germline): Uncertain significance. Review status: criteria provided, multiple submitters, no conflicts (2 of 4 stars). 2 submissions from 2 submitters: Uncertain significance (2). Last evaluated 2026-04-03.

Conditions:
Hereditary cancer-predisposing syndrome. Also called: Hereditary neoplastic syndrome; Neoplastic Syndromes, Hereditary; Tumor predisposition; Hereditary Cancer Syndrome. Identifiers: Orphanet 140162, MedGen C0027672, MeSH D009386, MONDO:0015356.
Chuvash polycythemia. Also called: POLYCYTHEMIA, VHL-DEPENDENT. Identifiers: Orphanet 238557, MedGen C1837915, MONDO:0009892, OMIM 263400.
Von Hippel-Lindau syndrome (VHLS). Also called: Von Hippel-Lindau; von Hippel–Lindau syndrome; VHL syndrome. Identifiers: Orphanet 892, MedGen C0019562, MONDO:0008667, OMIM 193300. Disease mechanism: loss of function.

Submissions (2):

Ambry Genetics
Classification: Uncertain significance for Hereditary cancer-predisposing syndrome. Last evaluated: 2026-04-03. Review status: criteria provided, single submitter. Criteria: Ambry Variant Classification Scheme 2023. Collection method: clinical testing. Allele origin: germline.
Comment: The p.S168G variant (also known as c.502A>G), located in coding exon 3 of the VHL gene, results from an A to G substitution at nucleotide position 502. The serine at codon 168 is replaced by glycine, an amino acid with similar properties. This amino acid position is well conserved in available vertebrate species. In addition, the in silico prediction for this alteration is inconclusive. Based on the available evidence, the clinical significance of this variant remains unclear.

Labcorp Genetics (formerly Invitae), Labcorp
Classification: Uncertain significance for Von Hippel-Lindau syndrome; Chuvash polycythemia. Last evaluated: 2026-01-27. Review status: criteria provided, single submitter. Criteria: Invitae Variant Classification Sherloc (09022015). Collection method: clinical testing. Allele origin: germline.
Comment: This sequence change replaces serine, which is neutral and polar, with glycine, which is neutral and non-polar, at codon 168 of the VHL protein (p.Ser168Gly). This variant is not present in population databases (gnomAD no frequency). This variant has not been reported in the literature in individuals affected with VHL-related conditions. Invitae Evidence Modeling of protein sequence and biophysical properties (such as structural, functional, and spatial information, amino acid conservation, physicochemical variation, residue mobility, and thermodynamic stability) indicates that this missense variant is expected to disrupt VHL protein function with a positive predictive value of 95%. In summary, the available evidence is currently insufficient to determine the role of this variant in disease. Therefore, it has been classified as a Variant of Uncertain Significance.